The following is an entry in ClinVar:

NM_000891.3(KCNJ2):c.1085C>A (p.Ala362Glu)

Gene: KCNJ2 (potassium inwardly rectifying channel subfamily J member 2; plus strand). Cytogenetic location: 17q24.3.
Variant type: single nucleotide variant.
Coding change: c.1085C>A on transcript NM_000891.3 (MANE Select); coding-DNA position 1085, C replaced by A.
Protein change: p.Ala362Glu; replaces alanine 362 with glutamic acid.
Molecular consequence: missense variant.
Genome position (GRCh38, 1-based): chr17:70,176,124, C>A. VCF-style: chr17-70176124-C-A. GRCh37 (hg19) VCF-style: chr17-68172265-C-A.
Other names: short protein forms A362E.
Identifiers: ClinVar variation 2921508 (VCV002921508.3), dbSNP rs1340759524, ClinGen allele CA400863437.

ClinVar aggregate classification (germline): Uncertain significance (1 of 4 stars; one submission).

Conditions:
Andersen Tawil syndrome (LQT7). Also called: ANDERSEN CARDIODYSRHYTHMIC PERIODIC PARALYSIS; PERIODIC PARALYSIS, POTASSIUM-SENSITIVE CARDIODYSRHYTHMIC TYPE; Andersen Syndrome; Potassium-sensitive periodic paralysis, ventricular ectopy, and dysmorphic features; LONG QT SYNDROME 7. Identifiers: Orphanet 37553, MedGen C1563715, MONDO:0008222, OMIM 170390.
Short QT syndrome type 3. Identifiers: Orphanet 51083, MedGen C1865018, MONDO:0012314, OMIM 609622.

Submission:

Labcorp Genetics (formerly Invitae), Labcorp
Classification: Uncertain significance for Short QT syndrome type 3; Andersen Tawil syndrome. Last evaluated: 2023-12-17. Review status: criteria provided, single submitter. Criteria: Invitae Variant Classification Sherloc (09022015). Collection method: clinical testing. Allele origin: germline.
Comment: This sequence change replaces alanine, which is neutral and non-polar, with glutamic acid, which is acidic and polar, at codon 362 of the KCNJ2 protein (p.Ala362Glu). This variant is not present in population databases (gnomAD no frequency). This variant has not been reported in the literature in individuals affected with KCNJ2-related conditions. Advanced modeling of protein sequence and biophysical properties (such as structural, functional, and spatial information, amino acid conservation, physicochemical variation, residue mobility, and thermodynamic stability) performed at Invitae indicates that this missense variant is not expected to disrupt KCNJ2 protein function with a negative predictive value of 80%. In summary, the available evidence is currently insufficient to determine the role of this variant in disease. Therefore, it has been classified as a Variant of Uncertain Significance.